The following is an entry in ClinVar:

NM_001148.6(ANK2):c.3373G>C (p.Asp1125His)

Gene: ANK2 (ankyrin 2; plus strand). Cytogenetic location: 4q26.
Variant type: single nucleotide variant.
Coding change: c.3373G>C on transcript NM_001148.6 (MANE Select); coding-DNA position 3373, G replaced by C.
Protein change: p.Asp1125His; replaces aspartic acid 1125 with histidine.
Molecular consequence: missense variant.
Genome position (GRCh38, 1-based): chr4:113,333,202, G>C. VCF-style: chr4-113333202-G-C. GRCh37 (hg19) VCF-style: chr4-114254358-G-C.
Other names: c.3346G>C, p.Asp1116His (NM_001127493.3); c.3385G>C, p.Asp1129His (NM_001354225.2); c.3274G>C, p.Asp1092His (NM_001354228.2, NM_001354258.2); c.3352G>C, p.Asp1118His (NM_001354230.2); c.3415G>C, p.Asp1139His (NM_001354231.2, NM_001354242.2); c.3409G>C, p.Asp1137His (NM_001354232.2); c.3370G>C, p.Asp1124His (NM_001354235.2, NM_001354246.2, NM_001354265.2); c.3271G>C, p.Asp1091His (NM_001354236.2); and 28 more; short protein forms D1116H, D1125H, D1030H, D1050H, D1071H, D1078H, D1091H, D1092H.
Identifiers: ClinVar variation 618528 (VCV000618528.17), dbSNP rs1043468981, ClinGen allele CA103824652.

ClinVar aggregate classification (germline): Uncertain significance. Review status: criteria provided, multiple submitters, no conflicts (2 of 4 stars). 4 submissions from 4 submitters: Uncertain significance (4). Last evaluated 2025-08-29.

Conditions:
Cardiovascular phenotype. Identifiers: MedGen CN230736.
Long QT syndrome (LQTS). Identifiers: MedGen C0023976, MeSH D008133, MONDO:0002442. Disease mechanism: loss of function. Inheritance: Various modes of inheritance.

Allele frequency attached by ClinVar (database versions not stated): gnomAD exomes 0.00001; gnomAD 0.00002; TOPMed 0.00002.
gnomAD v4.1: 20 of 1,613,984 alleles (0.0012%); highest among the groups gnomAD compares: Non-Finnish European, 0.0017%; no homozygotes.

Submissions (4):

Labcorp Genetics (formerly Invitae), Labcorp
Classification: Uncertain significance for Long QT syndrome. Last evaluated: 2025-08-29. Review status: criteria provided, single submitter. Criteria: Invitae Variant Classification Sherloc (09022015). Collection method: clinical testing. Allele origin: germline.
Comment: This sequence change replaces aspartic acid, which is acidic and polar, with histidine, which is basic and polar, at codon 1125 of the ANK2 protein (p.Asp1125His). This variant is present in population databases (no rsID available, gnomAD 0.002%). This variant has not been reported in the literature in individuals affected with ANK2-related conditions. ClinVar contains an entry for this variant (Variation ID: 618528). Invitae Evidence Modeling of protein sequence and biophysical properties (such as structural, functional, and spatial information, amino acid conservation, physicochemical variation, residue mobility, and thermodynamic stability) indicates that this missense variant is not expected to disrupt ANK2 protein function with a negative predictive value of 80%. In summary, the available evidence is currently insufficient to determine the role of this variant in disease. Therefore, it has been classified as a Variant of Uncertain Significance.

Ambry Genetics
Classification: Uncertain significance for Cardiovascular phenotype. Last evaluated: 2025-08-13. Review status: criteria provided, single submitter. Criteria: Ambry Variant Classification Scheme 2023. Collection method: clinical testing. Allele origin: germline.
Comment: The p.D1125H variant (also known as c.3373G>C), located in coding exon 29 of the ANK2 gene, results from a G to C substitution at nucleotide position 3373. The aspartic acid at codon 1125 is replaced by histidine, an amino acid with similar properties. This amino acid position is highly conserved in available vertebrate species. In addition, this alteration is predicted to be deleterious by in silico analysis. Based on the available evidence, the clinical significance of this variant remains unclear.

Institute for Clinical Genetics, University Hospital TU Dresden, University Hospital TU Dresden
Classification: Uncertain significance. Last evaluated: 2023-03-23. Review status: criteria provided, single submitter. Criteria: ACMG Guidelines, 2015. Collection method: clinical testing. Allele origin: germline.

ARUP Laboratories, Molecular Genetics and Genomics, ARUP Laboratories
Classification: Uncertain significance. Last evaluated: 2018-05-06. Review status: criteria provided, single submitter. Criteria: ARUP Molecular Germline Variant Investigation Process. Collection method: clinical testing. Allele origin: germline.
Comment: The p.Asp1125His variant (rs1043468981) has not been reported in the medical literature, gene specific variation databases, nor has it been previously identified by our laboratory. This variant is listed in the Genome Aggregation Database (gnomAD) with an overall population frequency of 0.001percent (identified on 3 out of 277,142 chromosomes). The aspartic acid at position 1125 is highly conserved up to tetraodon considering 12 species (Alamut v2.11) and computational analyses of the p.Asp1125His variant on protein structure and function indicate a deleterious effect (SIFT: damaging, PolyPhen-2: probably damaging). Altogether, there is not enough evidence to classify the p.Asp1125His variant with certainty.